The following is an entry in ClinVar:

ClinVar aggregate classification (germline): Uncertain significance. Review status: criteria provided, multiple submitters, no conflicts (2 of 4 stars). 2 submissions from 2 submitters: Uncertain significance (2). Last evaluated 2026-03-26.

Conditions:
Inborn genetic diseases. Identifiers: MedGen C0950123, MeSH D030342.
Multiple congenital exostosis (EXT). Also called: MULTIPLE CARTILAGINOUS EXOSTOSES; Hereditary multiple exostoses; Hereditary multiple exostosis; Multiple osteochondromas; Hereditary multiple osteochondromas; Multiple exostoses. Identifiers: Orphanet 321, MedGen C0015306, MONDO:0005508, HP:0002762.

Allele frequency attached by ClinVar (database versions not stated): gnomAD 0.00001; TOPMed below 0.00001.
gnomAD v4.1: 10 of 1,614,018 alleles (0.00062%); highest among the groups gnomAD compares: Non-Finnish European, 0.00085%; no homozygotes.

Submissions (2):

Ambry Genetics
Classification: Uncertain significance for Inborn genetic diseases. Last evaluated: 2026-03-26. Review status: criteria provided, single submitter. Criteria: Ambry Variant Classification Scheme 2023. Collection method: clinical testing. Allele origin: germline.

Labcorp Genetics (formerly Invitae), Labcorp
Classification: Uncertain significance for Multiple congenital exostosis. Last evaluated: 2023-11-13. Review status: criteria provided, single submitter. Criteria: Invitae Variant Classification Sherloc (09022015). Collection method: clinical testing. Allele origin: germline.
Comment: This sequence change replaces threonine, which is neutral and polar, with asparagine, which is neutral and polar, at codon 255 of the EXT1 protein (p.Thr255Asn). This variant is present in population databases (no rsID available, gnomAD 0.0009%). This variant has not been reported in the literature in individuals affected with EXT1-related conditions. Advanced modeling of protein sequence and biophysical properties (such as structural, functional, and spatial information, amino acid conservation, physicochemical variation, residue mobility, and thermodynamic stability) performed at Invitae indicates that this missense variant is not expected to disrupt EXT1 protein function with a negative predictive value of 80%. In summary, the available evidence is currently insufficient to determine the role of this variant in disease. Therefore, it has been classified as a Variant of Uncertain Significance.

NM_000127.3(EXT1):c.764C>A (p.Thr255Asn)

Gene: EXT1 (exostosin glycosyltransferase 1; minus strand). Cytogenetic location: 8q24.11.
Variant type: single nucleotide variant.
Coding change: c.764C>A on transcript NM_000127.3 (MANE Select); coding-DNA position 764, C replaced by A.
Protein change: p.Thr255Asn; replaces threonine 255 with asparagine.
Molecular consequence: missense variant.
Genome position (GRCh38, 1-based): chr8:118,110,283, G>T on the plus strand (C>A on the coding strand, the complement: EXT1 is on the minus strand). VCF-style: chr8-118110283-G-T. GRCh37 (hg19) VCF-style: chr8-119122522-G-T.
Other names: short protein forms T255N.
Identifiers: ClinVar variation 2737578 (VCV002737578.4), dbSNP rs1348650954, ClinGen allele CA371915101.